The following is an entry in ClinVar:

NM_000182.5(HADHA):c.1961G>A (p.Ser654Asn)

Genes: GAREM2 (GRB2 associated regulator of MAPK1 subtype 2; plus strand), HADHA (hydroxyacyl-CoA dehydrogenase trifunctional multienzyme complex subunit alpha; minus strand). Cytogenetic location: 2p23.3.
Variant type: single nucleotide variant.
Coding change: c.1961G>A on transcript NM_000182.5 (MANE Select); coding-DNA position 1961, G replaced by A.
Protein change: p.Ser654Asn; replaces serine 654 with asparagine.
Molecular consequence: missense variant.
Genome position (GRCh38, 1-based): chr2:26,192,349, C>T on the plus strand (G>A on the coding strand, the complement: HADHA is on the minus strand). VCF-style: chr2-26192349-C-T. GRCh37 (hg19) VCF-style: chr2-26415218-C-T.
Other names: p.Ser654Asn; short protein forms S654N.
Identifiers: ClinVar variation 2176926 (VCV002176926.4), dbSNP rs1558313963, ClinGen allele CA346114686.

ClinVar aggregate classification (germline): Uncertain significance. Review status: criteria provided, multiple submitters, no conflicts (2 of 4 stars). 2 submissions from 2 submitters: Uncertain significance (2). Last evaluated 2024-10-30.

Conditions:
Long chain 3-hydroxyacyl-CoA dehydrogenase deficiency. Also called: LCHAD Deficiency; Deficiency of long-chain 3-hydroxyacyl-coenzyme A dehydrogenase. Identifiers: Orphanet 5, MedGen C3711645, MONDO:0012173, OMIM 609016.
Mitochondrial trifunctional protein deficiency. Identifiers: Orphanet 746, MedGen C1969443, MONDO:0012172.

Allele frequency attached by ClinVar (database versions not stated): gnomAD exomes below 0.00001; gnomAD 0.00001.
gnomAD v4.1: 7 of 1,608,738 alleles (0.00044%); highest among the groups gnomAD compares: South Asian, 0.0011%; no homozygotes.

Submissions (2):

Labcorp Genetics (formerly Invitae), Labcorp
Classification: Uncertain significance for Mitochondrial trifunctional protein deficiency; Long chain 3-hydroxyacyl-CoA dehydrogenase deficiency. Last evaluated: 2024-10-30. Review status: criteria provided, single submitter. Criteria: Invitae Variant Classification Sherloc (09022015). Collection method: clinical testing. Allele origin: germline.
Comment: This sequence change replaces serine, which is neutral and polar, with asparagine, which is neutral and polar, at codon 654 of the HADHA protein (p.Ser654Asn). This variant is not present in population databases (gnomAD no frequency). This variant has not been reported in the literature in individuals affected with HADHA-related conditions. ClinVar contains an entry for this variant (Variation ID: 2176926). Invitae Evidence Modeling of protein sequence and biophysical properties (such as structural, functional, and spatial information, amino acid conservation, physicochemical variation, residue mobility, and thermodynamic stability) indicates that this missense variant is not expected to disrupt HADHA protein function with a negative predictive value of 80%. In summary, the available evidence is currently insufficient to determine the role of this variant in disease. Therefore, it has been classified as a Variant of Uncertain Significance.

Mayo Clinic Laboratories, Mayo Clinic
Classification: Uncertain significance. Last evaluated: 2023-12-05. Review status: criteria provided, single submitter. Criteria: ACMG Guidelines, 2015. Collection method: clinical testing. Allele origin: germline. Observed: 1 variant allele.
Comment: BP4, PM2_moderate